The following is an entry in ClinVar:

ClinVar aggregate classification (germline): Uncertain significance (1 of 4 stars; one submission).

Conditions:
Hereditary cancer-predisposing syndrome. Also called: Neoplastic Syndromes, Hereditary; Hereditary Cancer Syndrome; Hereditary neoplastic syndrome; Tumor predisposition. Identifiers: Orphanet 140162, MedGen C0027672, MeSH D009386, MONDO:0015356.

Submission:

Ambry Genetics
Classification: Uncertain significance for Hereditary cancer-predisposing syndrome. Last evaluated: 2026-04-09. Review status: criteria provided, single submitter. Criteria: Ambry Variant Classification Scheme 2023. Collection method: clinical testing. Allele origin: germline.
Comment: The p.V306D variant (also known as c.917T>A), located in coding exon 7 of the FH gene, results from a T to A substitution at nucleotide position 917. The valine at codon 306 is replaced by aspartic acid, an amino acid with highly dissimilar properties. This amino acid position is conserved. In addition, this alteration is predicted to be deleterious by in silico analysis. Based on the available evidence, the clinical significance of this variant remains unclear.

NM_000143.4(FH):c.917T>A (p.Val306Asp)

Gene: FH (fumarate hydratase; minus strand). Cytogenetic location: 1q43.
Variant type: single nucleotide variant.
Coding change: c.917T>A on transcript NM_000143.4 (MANE Select); coding-DNA position 917, T replaced by A.
Protein change: p.Val306Asp; replaces valine 306 with aspartic acid.
Molecular consequence: missense variant.
Genome position (GRCh38, 1-based): chr1:241,504,233, A>T on the plus strand (T>A on the coding strand, the complement: FH is on the minus strand). VCF-style: chr1-241504233-A-T. GRCh37 (hg19) VCF-style: chr1-241667533-A-T.
Other names: short protein forms V306D.
Identifiers: ClinVar variation 4871323 (VCV004871323.1).